The following is an entry in ClinVar:

ClinVar aggregate classification (germline): Uncertain significance (1 of 4 stars; one submission).

Allele frequency attached by ClinVar (database versions not stated): gnomAD exomes below 0.00001.
gnomAD v4.1: 2 of 1,614,144 alleles (0.00012%); highest among the groups gnomAD compares: Non-Finnish European, 0.00017%; no homozygotes.

Submission:

Labcorp Genetics (formerly Invitae), Labcorp
Classification: Uncertain significance. Last evaluated: 2023-06-21. Review status: criteria provided, single submitter. Criteria: Invitae Variant Classification Sherloc (09022015). Collection method: clinical testing. Allele origin: germline.
Comment: This sequence change replaces aspartic acid, which is acidic and polar, with asparagine, which is neutral and polar, at codon 2096 of the PRPF8 protein (p.Asp2096Asn). This variant is not present in population databases (gnomAD no frequency). This variant has not been reported in the literature in individuals affected with PRPF8-related conditions. Advanced modeling of protein sequence and biophysical properties (such as structural, functional, and spatial information, amino acid conservation, physicochemical variation, residue mobility, and thermodynamic stability) performed at Invitae indicates that this missense variant is not expected to disrupt PRPF8 protein function. In summary, the available evidence is currently insufficient to determine the role of this variant in disease. Therefore, it has been classified as a Variant of Uncertain Significance.

NM_006445.4(PRPF8):c.6286G>A (p.Asp2096Asn)

Gene: PRPF8 (pre-mRNA processing factor 8; minus strand). Cytogenetic location: 17p13.3.
Variant type: single nucleotide variant.
Coding change: c.6286G>A on transcript NM_006445.4 (MANE Select); coding-DNA position 6286, G replaced by A.
Protein change: p.Asp2096Asn; replaces aspartic acid 2096 with asparagine.
Molecular consequence: missense variant.
Genome position (GRCh38, 1-based): chr17:1,653,625, C>T on the plus strand (G>A on the coding strand, the complement: PRPF8 is on the minus strand). VCF-style: chr17-1653625-C-T. GRCh37 (hg19) VCF-style: chr17-1556919-C-T.
Other names: short protein forms D2096N.
Identifiers: ClinVar variation 2775525 (VCV002775525.3), dbSNP rs1911198039, ClinGen allele CA397566681.